The following is an entry in ClinVar:

NC_000011.10:g.2003451C>T

Genes: H19 (H19 imprinted maternally expressed transcript; minus strand), H19-ICR (H19/IGF2 imprinting control region; plus strand), MRPL23 (mitochondrial ribosomal protein L23; plus strand). Cytogenetic location: 11p15.5.
Variant type: single nucleotide variant.
Molecular consequence: intron variant (on NM_001400176.1).
Genome position: GRCh38 VCF-style: chr11-2003451-C-T. GRCh37 (hg19) VCF-style: chr11-2024681-C-T.
Other names: c.498-8090C>T (NM_001400176.1).
Identifiers: ClinVar variation 4984637 (VCV004984637.1).

ClinVar aggregate classification (germline): Likely benign (1 of 4 stars; one submission).

Conditions:
H19-related disorder. Also called: H19-related condition.

Submission:

PreventionGenetics, part of Exact Sciences
Classification: Likely benign for H19-related condition. Last evaluated: 2026-08-07. Review status: criteria provided, single submitter. Criteria: ACMG Guidelines, 2015. Collection method: clinical testing. Allele origin: germline.
Comment: This variant is classified as likely benign based on ACMG/AMP sequence variant interpretation guidelines (Richards et al. 2015 PMID: 25741868, with internal and published modifications).